The following is an entry in ClinVar:

ClinVar aggregate classification (germline): Benign. Review status: criteria provided, multiple submitters, no conflicts (2 of 4 stars). 4 submissions from 4 submitters: Benign (3). 1 of the submissions does not count toward it. Last evaluated 2018-06-18.

Conditions:
Fanconi anemia complementation group C (FANCC). Also called: FANCONI PANCYTOPENIA, TYPE 3; FACC; Fanconi anemia, group C; FANCC-Related Fanconi Anemia. Identifiers: Orphanet 84, MedGen C3468041, MONDO:0009213, OMIM 227645.

Allele frequency attached by ClinVar (database versions not stated): gnomAD 0.03187 and 0.03439; 1000 Genomes Project 0.03435; 1000 Genomes Project 30x 0.03513; TOPMed 0.03631.
gnomAD v4.1: 8,403 of 1,285,878 alleles (0.65%); highest among the groups gnomAD compares: African/African-American, 11%; 453 homozygotes.

Submissions (4):

GeneDx
Classification: Benign. Last evaluated: 2018-06-18. Review status: criteria provided, single submitter. Criteria: GeneDx Variant Classification Process June 2021. Collection method: clinical testing. Allele origin: germline. Affected: yes.

Illumina Laboratory Services, Illumina
Classification: Benign for Fanconi anemia complementation group C. Last evaluated: 2018-01-12. Review status: criteria provided, single submitter. Criteria: ICSL Variant Classification Criteria 13 December 2019. Collection method: clinical testing. Allele origin: germline.
Comment: This variant was observed in the ICSL laboratory as part of a predisposition screen in an ostensibly healthy population. It had not been previously curated by ICSL or reported in the Human Gene Mutation Database (HGMD: prior to June 1st, 2018), and was therefore a candidate for classification through an automated scoring system. Utilizing variant allele frequency, disease prevalence and penetrance estimates, and inheritance mode, an automated score was calculated to assess if this variant is too frequent to cause the disease. Based on the score and internal cut-off values, a variant classified as benign is not then subjected to further curation. The score for this variant resulted in a classification of benign for this disease.

Breakthrough Genomics
Classification: Benign. Review status: criteria provided, single submitter. Criteria: ACMG Guidelines, 2015. Collection method: not provided. Allele origin: germline. Inheritance: Autosomal recessive inheritance. Affected: yes.

Leiden Open Variation Database
Classification: Uncertain significance. Last evaluated: 2020-02-28. Review status: no assertion criteria provided. Collection method: curation. Allele origin: germline. Affected: yes. Not counted in ClinVar's aggregate classification.
Comment: Curator: Arleen D. Auerbach. Submitter to LOVD: Arleen D. Auerbach.

NM_000136.3(FANCC):c.*116A>C

Genes: FANCC (FA complementation group C; minus strand), AOPEP (aminopeptidase O (putative); plus strand). Cytogenetic location: 9q22.32.
Variant type: single nucleotide variant.
Coding change: c.*116A>C on transcript NM_000136.3 (MANE Select); 116 bases downstream of the stop codon, A replaced by C.
Molecular consequence: 3 prime UTR variant.
Genome position (GRCh38, 1-based): chr9:95,101,591, T>G on the plus strand (A>C on the coding strand, the complement: FANCC is on the minus strand). VCF-style: chr9-95101591-T-G. GRCh37 (hg19) VCF-style: chr9-97863873-T-G.
Other names: c.1677+116A>C (NM_000136.2); c.*116A>C (NM_001243743.2).
Identifiers: ClinVar variation 367607 (VCV000367607.9), dbSNP rs7048910, ClinGen allele CA10627704.